The following is an entry in ClinVar:

NM_000051.4(ATM):c.5736dup (p.Val1913fs)

Gene: ATM (ATM serine/threonine kinase; plus strand). Cytogenetic location: 11q22.3.
Variant type: Duplication.
Coding change: c.5736dup on transcript NM_000051.4 (MANE Select); coding-DNA position 5736, one base duplicated (T; older notation c.5736dupT).
Protein change: p.Val1913fs; shifts the reading frame from valine 1913.
Molecular consequence: frameshift variant.
Genome position (GRCh38, 1-based): chr11:108,307,958, T duplicated; the last of 2 consecutive T bases (chr11:108,307,957-108,307,958); duplicating either gives the same sequence. VCF-style (leftmost placement, unchanged base first): chr11-108307956-G-GT. GRCh37 (hg19) VCF-style: chr11-108178683-G-GT.
Other names: c.5736dup, p.Val1913fs (NM_001351834.2); short protein forms V1913fs.
Identifiers: ClinVar variation 1429081 (VCV001429081.6), dbSNP rs2135977494, ClinGen allele CA2573146693.

ClinVar aggregate classification (germline): Pathogenic (1 of 4 stars; one submission).

Conditions:
Ataxia-telangiectasia syndrome (AT). Also called: Ataxia telangiectasia (A-T); LOUIS-BAR SYNDROME; Cerebello-oculocutaneous telangiectasia; Immunodeficiency with ataxia telangiectasia; AT, COMPLEMENTATION GROUP C; Ataxia-telangiectasia, complementation group D. Identifiers: Orphanet 100, MedGen C0004135, MONDO:0008840, OMIM 208900.

Submission:

Labcorp Genetics (formerly Invitae), Labcorp
Classification: Pathogenic for Ataxia-telangiectasia syndrome. Last evaluated: 2021-08-22. Review status: criteria provided, single submitter. Criteria: Invitae Variant Classification Sherloc (09022015). Collection method: clinical testing. Allele origin: germline.
Comment: For these reasons, this variant has been classified as Pathogenic. This variant has not been reported in the literature in individuals affected with ATM-related conditions. This variant is not present in population databases (ExAC no frequency). This sequence change creates a premature translational stop signal (p.Val1913Cysfs*17) in the ATM gene. It is expected to result in an absent or disrupted protein product. Loss-of-function variants in ATM are known to be pathogenic (PMID: 23807571, 25614872).

Literature cited by the submitters: PubMed 23807571; PubMed 25614872.